The following is an entry in ClinVar:

NM_004174.4(SLC9A3):c.71G>T (p.Arg24Leu)

Gene: SLC9A3 (solute carrier family 9 member A3). Cytogenetic location: 5p15.33.
Variant type: single nucleotide variant.
Coding change: c.71G>T on transcript NM_004174.4 (MANE Select); coding-DNA position 71, G replaced by T.
Protein change: p.Arg24Leu; replaces arginine 24 with leucine.
Molecular consequence: missense variant.
Genome position (GRCh38, 1-based): chr5:524,252, C>A on the plus strand (G>T on the coding strand, the complement: SLC9A3 is on the minus strand). VCF-style: chr5-524252-C-A. GRCh37 (hg19) VCF-style: chr5-524367-C-A.
Other names: c.71G>T, p.Arg24Leu (NM_001284351.3); c.71G>T (NM_004174.2); short protein forms R24L.
Identifiers: ClinVar variation 1501664 (VCV001501664.7), dbSNP rs1212776156, ClinGen allele CA359018596.

ClinVar aggregate classification (germline): Uncertain significance. Review status: criteria provided, multiple submitters, no conflicts (2 of 4 stars). 2 submissions from 2 submitters: Uncertain significance (2). Last evaluated 2024-03-28.

Conditions:
Inborn genetic diseases. Identifiers: MedGen C0950123, MeSH D030342.

Submissions (2):

Ambry Genetics
Classification: Uncertain significance for Inborn genetic diseases. Last evaluated: 2024-03-28. Review status: criteria provided, single submitter. Criteria: Ambry Variant Classification Scheme 2023. Collection method: clinical testing. Allele origin: germline.

Labcorp Genetics (formerly Invitae), Labcorp
Classification: Uncertain significance. Last evaluated: 2021-04-27. Review status: criteria provided, single submitter. Criteria: Invitae Variant Classification Sherloc (09022015). Collection method: clinical testing. Allele origin: germline.
Comment: This sequence change replaces arginine with leucine at codon 24 of the SLC9A3 protein (p.Arg24Leu). The arginine residue is weakly conserved and there is a moderate physicochemical difference between arginine and leucine. The frequency data for this variant in the population databases is considered unreliable, as metrics indicate insufficient coverage at this position in the ExAC database. This variant has not been reported in the literature in individuals with SLC9A3-related conditions. Experimental studies and prediction algorithms are not available or were not evaluated, and the functional significance of this variant is currently unknown. In summary, the available evidence is currently insufficient to determine the role of this variant in disease. Therefore, it has been classified as a Variant of Uncertain Significance.